The following is an entry in ClinVar:

ClinVar aggregate classification (germline): Likely pathogenic. Review status: criteria provided, multiple submitters, no conflicts (2 of 4 stars). 2 submissions from 2 submitters: Likely pathogenic (2). Last evaluated 2026-02-20.

Conditions:
RYR1-related disorder. Also called: RYR1-related disorders; RYR1-related condition. Identifiers: MedGen CN239331.
Central core myopathy (CMYO1A). Also called: Central core disease; Myopathy, central fibrillar; CONGENITAL MYOPATHY 1A, AUTOSOMAL DOMINANT, WITH SUSCEPTIBILITY TO MALIGNANT HYPERTHERMIA. Identifiers: Orphanet 597, MedGen C5830701, MONDO:0007294, OMIM 117000.

Submissions (2):

PreventionGenetics, part of Exact Sciences
Classification: Likely pathogenic for Central core myopathy. Last evaluated: 2026-02-20. Review status: criteria provided, single submitter. Criteria: ACMG Guidelines, 2015. Collection method: clinical testing. Allele origin: germline.
Comment: Many other nearby missense variants in this exon have been reported to be causative for malignant hyperthermia susceptibility (MHS; reviewed in MacLennan and Zvaritch 2011. PubMed ID: 21118704). Of note, a different nucleotide change at the same position (c.7035C>A) also giving rise to p.Ser2345Arg and an alternate missense change of the same amino acid (p.Ser2345Thr) have been reported in individuals with MHS (Klingler et al. 2014. PubMed ID: 24433488; Snoeck et al. 2015. PubMed ID: 25960145; Sano et al. 2015. PubMed ID: 26119398; Zullo et al. 2019. PubMed ID: 31165076). This variant has not been reported in a large population database (gnomAD), indicating this variant is rare. Taken together, the c.7035C>G, p.Ser2345Arg variant is interpreted as likely pathogenic.

Labcorp Genetics (formerly Invitae), Labcorp
Classification: Likely pathogenic for RYR1-related disorder. Last evaluated: 2023-03-23. Review status: criteria provided, single submitter. Criteria: Invitae Variant Classification Sherloc (09022015). Collection method: clinical testing. Allele origin: germline.
Comment: In summary, the currently available evidence indicates that the variant is pathogenic, but additional data are needed to prove that conclusively. Therefore, this variant has been classified as Likely Pathogenic. This sequence change replaces serine, which is neutral and polar, with arginine, which is basic and polar, at codon 2345 of the RYR1 protein (p.Ser2345Arg). This variant is not present in population databases (gnomAD no frequency). This missense change has been observed in individuals with malignant hyperthermia susceptibility and/or myopathy (PMID: 25960145, 31165076). ClinVar contains an entry for this variant (Variation ID: 590578). Advanced modeling of protein sequence and biophysical properties (such as structural, functional, and spatial information, amino acid conservation, physicochemical variation, residue mobility, and thermodynamic stability) performed at Invitae indicates that this missense variant is expected to disrupt RYR1 protein function. Experimental studies are conflicting or provide insufficient evidence to determine the effect of this variant on RYR1 function (PMID: 33490280). This variant disrupts the p.Ser2345 amino acid residue in RYR1. Other variant(s) that disrupt this residue have been observed in individuals with RYR1-related conditions (PMID: 24433488), which suggests that this may be a clinically significant amino acid residue.

Literature cited by the submitters: PubMed 25960145 (cited by Labcorp Genetics (formerly Invitae), Labcorp); PubMed 31165076 (cited by Labcorp Genetics (formerly Invitae), Labcorp); PubMed 33490280 (cited by Labcorp Genetics (formerly Invitae), Labcorp); PubMed 24433488 (cited by Labcorp Genetics (formerly Invitae), Labcorp).

NM_000540.3(RYR1):c.7035C>G (p.Ser2345Arg)

Gene: RYR1 (ryanodine receptor 1; plus strand). Cytogenetic location: 19q13.2.
Variant type: single nucleotide variant.
Coding change: c.7035C>G on transcript NM_000540.3 (MANE Select); coding-DNA position 7035, C replaced by G.
Protein change: p.Ser2345Arg; replaces serine 2345 with arginine.
Molecular consequence: missense variant.
Genome position (GRCh38, 1-based): chr19:38,499,642, C>G. VCF-style: chr19-38499642-C-G. GRCh37 (hg19) VCF-style: chr19-38990282-C-G.
Other names: c.7035C>G, p.Ser2345Arg (NM_001042723.2); short protein forms S2345R.
Identifiers: ClinVar variation 590578 (VCV000590578.14), dbSNP rs1448949048, ClinGen allele CA405667781.